The following is an entry in ClinVar:

ClinVar aggregate classification (germline): Uncertain significance (1 of 4 stars; one submission).

Conditions:
Familial sleep-related hypermotor epilepsy. Also called: Autosomal Dominant Sleep-Related Hypermotor (Hyperkinetic) Epilepsy. Identifiers: Orphanet 98784, MedGen C3696898, MONDO:0000030.

Submission:

Labcorp Genetics (formerly Invitae), Labcorp
Classification: Uncertain significance. Last evaluated: 2020-09-01. Review status: criteria provided, single submitter. Criteria: Invitae Variant Classification Sherloc (09022015). Collection method: clinical testing. Allele origin: germline.
Comment: This sequence change replaces leucine with phenylalanine at codon 250 of the CHRNA4 protein (p.Leu250Phe). The leucine residue is highly conserved and there is a small physicochemical difference between leucine and phenylalanine. In summary, the available evidence is currently insufficient to determine the role of this variant in disease. Therefore, it has been classified as a Variant of Uncertain Significance. Algorithms developed to predict the effect of missense changes on protein structure and function are either unavailable or do not agree on the potential impact of this missense change (SIFT: "Deleterious"; PolyPhen-2: "Probably Damaging"; Align-GVGD: "Class C0"). This variant has not been reported in the literature in individuals with CHRNA4-related conditions. This variant is not present in population databases (ExAC no frequency).

NM_000744.7(CHRNA4):c.748C>T (p.Leu250Phe)

Gene: CHRNA4 (cholinergic receptor nicotinic alpha 4 subunit; minus strand). Cytogenetic location: 20q13.33.
Variant type: single nucleotide variant.
Coding change: c.748C>T on transcript NM_000744.7 (MANE Select); coding-DNA position 748, C replaced by T.
Protein change: p.Leu250Phe; replaces leucine 250 with phenylalanine.
Molecular consequence: missense variant. On other transcripts: non-coding transcript variant (1).
Genome position (GRCh38, 1-based): chr20:63,350,663, G>A on the plus strand (C>T on the coding strand, the complement: CHRNA4 is on the minus strand). VCF-style: chr20-63350663-G-A. GRCh37 (hg19) VCF-style: chr20-61982015-G-A.
Other names: c.220C>T, p.Leu74Phe (NM_001256573.2); short protein forms L250F, L74F.
Identifiers: ClinVar variation 859195 (VCV000859195.9), dbSNP rs759579810, ClinGen allele CA317435892.